The following is an entry in ClinVar:

ClinVar aggregate classification (germline): Uncertain significance (1 of 4 stars; one submission).

gnomAD v4.1: 1 of 1,614,210 alleles (0.000062%); highest among the groups gnomAD compares: Admixed American, 0.0017%; no homozygotes.

Submission:

GeneDx
Classification: Uncertain significance. Last evaluated: 2025-05-21. Review status: criteria provided, single submitter. Criteria: GeneDx Variant Classification Process June 2021. Collection method: clinical testing. Allele origin: germline. Affected: yes.
Comment: Not observed at significant frequency in large population cohorts (gnomAD); In silico analysis supports that this missense variant has a deleterious effect on protein structure/function; Has not been previously published as pathogenic or benign to our knowledge

NM_001368894.2(PAX6):c.656A>C (p.Gln219Pro)

Gene: PAX6 (paired box 6; minus strand). Cytogenetic location: 11p13.
Variant type: single nucleotide variant.
Coding change: c.656A>C on transcript NM_001368894.2 (MANE Select); coding-DNA position 656, A replaced by C.
Protein change: p.Gln219Pro; replaces glutamine 219 with proline.
Molecular consequence: missense variant. On other transcripts: non-coding transcript variant (2).
Genome position (GRCh38, 1-based): chr11:31,794,698, T>G on the plus strand (A>C on the coding strand, the complement: PAX6 is on the minus strand). VCF-style: chr11-31794698-T-G. GRCh37 (hg19) VCF-style: chr11-31816246-T-G.
Other names: c.614A>C, p.Gln205Pro (NM_000280.6, NM_001127612.3, NM_001258464.2 and 10 more transcripts); c.656A>C, p.Gln219Pro (NM_001258462.3, NM_001258463.2, NM_001310158.2 and 6 more transcripts); c.206A>C, p.Gln69Pro (NM_001310160.2, NM_001368900.2, NM_001368901.2 and 11 more transcripts); c.731A>C, p.Gln244Pro (NM_001368919.2, NM_001368918.2); c.689A>C, p.Gln230Pro (NM_001368920.2); c.455A>C, p.Gln152Pro (NM_001368921.2, NM_001368922.2, NM_001368923.2 and 4 more transcripts); c.413A>C, p.Gln138Pro (NM_001368928.2); c.11A>C, p.Gln4Pro (NM_001368930.2); and 2 more; short protein forms Q138P, Q152P, Q205P, Q219P, Q220P, Q230P, Q244P, Q286P.
Identifiers: ClinVar variation 4530908 (VCV004530908.1).